The following is an entry in ClinVar:

NM_002691.4(POLD1):c.1137+3A>G

Gene: POLD1 (DNA polymerase delta 1, catalytic subunit; plus strand). Cytogenetic location: 19q13.33.
Variant type: single nucleotide variant.
Coding change: c.1137+3A>G on transcript NM_002691.4 (MANE Select); 3 bases into the intron after coding-DNA position 1137, A replaced by G.
Molecular consequence: intron variant.
Genome position (GRCh38, 1-based): chr19:50,403,222, A>G. VCF-style: chr19-50403222-A-G. GRCh37 (hg19) VCF-style: chr19-50906479-A-G.
Other names: c.1137+3A>G (LRG_785t2, LRG_785t1, NM_001256849.1 and 1 more transcripts).
Identifiers: ClinVar variation 422824 (VCV000422824.13), dbSNP rs1064796024, ClinGen allele CA16620888.

ClinVar aggregate classification (germline): Uncertain significance. Review status: criteria provided, multiple submitters, no conflicts (2 of 4 stars). 3 submissions from 3 submitters: Uncertain significance (3). Last evaluated 2025-12-20.

Conditions:
Hereditary cancer-predisposing syndrome. Also called: Neoplastic Syndromes, Hereditary; Hereditary neoplastic syndrome; Tumor predisposition; Hereditary Cancer Syndrome. Identifiers: Orphanet 140162, MedGen C0027672, MeSH D009386, MONDO:0015356.
POLD1-related polyposis and colorectal cancer syndrome (CRCS10). Also called: Colorectal cancer 10; COLORECTAL CANCER, SUSCEPTIBILITY TO, ON CHROMOSOME 19q; Colorectal cancer, susceptibility to, 10. Identifiers: Orphanet 220460, MedGen C2675481, MONDO:0012953, OMIM 612591.

Submissions (3):

Labcorp Genetics (formerly Invitae), Labcorp
Classification: Uncertain significance for POLD1-related polyposis and colorectal cancer syndrome. Last evaluated: 2025-12-20. Review status: criteria provided, single submitter. Criteria: Invitae Variant Classification Sherloc (09022015). Collection method: clinical testing. Allele origin: germline.
Comment: This sequence change falls in intron 9 of the POLD1 gene. It does not directly change the encoded amino acid sequence of the POLD1 protein. RNA analysis indicates that this variant induces altered splicing and may result in an absent or disrupted protein product. However, the current clinical and genetic evidence is not sufficient to establish whether loss-of-function variants in POLD1 cause disease. This variant is not present in population databases (gnomAD no frequency). This variant has not been reported in the literature in individuals affected with POLD1-related conditions. ClinVar contains an entry for this variant (Variation ID: 422824). Variants that disrupt the consensus splice site are a relatively common cause of aberrant splicing (PMID: 17576681, 9536098). Studies have shown that this variant results in skipping of exon 9 and introduces a premature termination codon (internal data). The resulting mRNA is expected to undergo nonsense-mediated decay. Missense variants that disrupt the 3'-5' exonuclease (proof-reading) activity of the POLD1 protein are associated with PPAP (polymerase proofreading–associated polyposis) (PMID: 23263490, 23447401). However, loss-of-function variants that result in an absent or severely disrupted POLD1 protein, and missense variants outside the exonuclease domain, are unlikely to be associated with PPAP. In summary, the available evidence is currently insufficient to determine the role of this variant in disease. Therefore, it has been classified as a Variant of Uncertain Significance.

Ambry Genetics
Classification: Uncertain significance for Hereditary cancer-predisposing syndrome. Last evaluated: 2025-06-25. Review status: criteria provided, single submitter. Criteria: Ambry Variant Classification Scheme 2023. Collection method: clinical testing. Allele origin: germline.
Comment: The c.1137+3A>G intronic variant results from an A to G substitution 3 nucleotides after coding exon 8 in the POLD1 gene. This nucleotide position is poorly conserved in available vertebrate species. In silico splice site analysis for this alteration is inconclusive. Based on the available evidence, the clinical significance of this variant remains unclear.

GeneDx
Classification: Uncertain significance. Last evaluated: 2016-12-02. Review status: criteria provided, single submitter. Criteria: GeneDx Variant Classification (06012015). Collection method: clinical testing. Allele origin: germline. Affected: yes.
Comment: This variant is denoted POLD1 c.1137+3A>G or IVS9+3A>G and consists of an A>G nucleotide substitution at the +3 position of intron 9 of the POLD1 gene. Multiple in silico models predict this variant to damage or destroy the nearby natural donor site and to possibly cause abnormal gene splicing; however, in the absence of RNA or functional studies, the actual effect of this variant is unknown. This variant has not, to our knowledge, been published in the literature as pathogenic or benign. POLD1 c.1137+3A>G was not observed in approximately 6,500 individuals of European and African American ancestry in the NHLBI Exome Sequencing Project, suggesting it is not a common benign variant in these populations. The adenine (A) nucleotide that is altered is not conserved across species. Based on currently available information, it is unclear whether POLD1 c.1137+3A>G is pathogenic or benign. We consider it to be a variant of uncertain significance.

Literature cited by the submitters: PubMed 17576681 (cited by Labcorp Genetics (formerly Invitae), Labcorp); PubMed 9536098 (cited by Labcorp Genetics (formerly Invitae), Labcorp); PubMed 23263490 (cited by Labcorp Genetics (formerly Invitae), Labcorp); PubMed 23447401 (cited by Labcorp Genetics (formerly Invitae), Labcorp).